The following is an entry in ClinVar:

NM_133379.5(TTN):c.11169G>A (p.Thr3723=)

Gene: TTN (titin; minus strand). Cytogenetic location: 2q31.2.
Variant type: single nucleotide variant.
Coding change: c.11169G>A on transcript NM_133379.5; coding-DNA position 11169, G replaced by A.
Protein change: p.Thr3723=; no amino-acid change (threonine 3723 retained).
Molecular consequence: synonymous variant. On other transcripts: intron variant (6).
Genome position (GRCh38, 1-based): chr2:178,751,231, C>T on the plus strand (G>A on the coding strand, the complement: TTN is on the minus strand). VCF-style: chr2-178751231-C-T. GRCh37 (hg19) VCF-style: chr2-179615958-C-T.
Other names: c.11169G>A (NM_133379.4); c.10222+1893G>A (NM_003319.4); c.10798+1893G>A (NM_133437.4); c.10597+1893G>A (NM_133432.3); c.10360+1893G>A (NM_133378.4, NM_001256850.1); c.11311+1893G>A (NM_001267550.2).
Identifiers: ClinVar variation 598487 (VCV000598487.31), dbSNP rs145004106, ClinGen allele CA2003779.
Genomic context (GRCh38, chr2:178,751,231, plus strand): 5'-GAACAGAATATCTTTATCACTAGCTTCACTTCTCAAAGTTCTTGAGCTTATTTCAGAAGA[C>T]GTATCTAAAAGAGATAATTTCTTTTTCTCCATTAATGTTTTTCTAGCCTCCCTTAAACGT-3'

ClinVar aggregate classification (germline): Conflicting classifications of pathogenicity. Review status: criteria provided, conflicting classifications (1 of 4 stars). 4 submissions from 4 submitters: Uncertain significance (1); Likely benign (3). Last evaluated 2026-06-01.

Conditions:
TTN-related disorder. Also called: TTN-related disorders; TTN-related condition; TTN-related disease.

Allele frequency attached by ClinVar (database versions not stated): ExAC 0.00004; gnomAD exomes 0.00004; gnomAD 0.00010; ESP Exome Variant Server 0.00015; TOPMed 0.00015; 1000 Genomes Project 30x 0.00031; 1000 Genomes Project 0.00040.
gnomAD v4.1: 79 of 1,609,474 alleles (0.0049%); highest among the groups gnomAD compares: African/African-American, 0.032%; no homozygotes.

Submissions (4):

CeGaT Center for Human Genetics Tuebingen
Classification: Likely benign. Last evaluated: 2026-06-01. Review status: criteria provided, single submitter. Criteria: CeGaT Center For Human Genetics Tuebingen Variant Classification Criteria Version 2. Collection method: clinical testing. Allele origin: germline. Affected: yes. Observed: 2 variant alleles.
Comment: TTN: BP4, BP7

PreventionGenetics, part of Exact Sciences
Classification: Likely benign for TTN-related condition. Last evaluated: 2025-04-24. Review status: criteria provided, single submitter. Criteria: ACMG Guidelines, 2015. Collection method: clinical testing. Allele origin: germline.
Comment: This variant is classified as likely benign based on ACMG/AMP sequence variant interpretation guidelines (Richards et al. 2015 PMID: 25741868, with internal and published modifications).

GeneDx
Classification: Likely benign. Last evaluated: 2019-01-14. Review status: criteria provided, single submitter. Criteria: GeneDx Variant Classification Process June 2021. Collection method: clinical testing. Allele origin: germline. Affected: yes.

Eurofins Ntd Llc (ga)
Classification: Uncertain significance. Last evaluated: 2018-08-24. Review status: criteria provided, single submitter. Criteria: EGL ClinVar v180209 classification definitions. Collection method: clinical testing. Allele origin: germline. Observed: 1 variant allele, 1 heterozygote.